The following is an entry in ClinVar:

NM_172364.5(CACNA2D4):c.2288G>A (p.Arg763Gln)

Gene: CACNA2D4 (calcium voltage-gated channel auxiliary subunit alpha2delta 4; minus strand). Cytogenetic location: 12p13.33.
Variant type: single nucleotide variant.
Coding change: c.2288G>A on transcript NM_172364.5 (MANE Select); coding-DNA position 2288, G replaced by A.
Protein change: p.Arg763Gln; replaces arginine 763 with glutamine.
Molecular consequence: missense variant.
Genome position (GRCh38, 1-based): chr12:1,846,648, C>T on the plus strand (G>A on the coding strand, the complement: CACNA2D4 is on the minus strand). VCF-style: chr12-1846648-C-T. GRCh37 (hg19) VCF-style: chr12-1955814-C-T.
Other names: short protein forms R763Q.
Identifiers: ClinVar variation 1349881 (VCV001349881.8), dbSNP rs771472388, ClinGen allele CA6386755.

ClinVar aggregate classification (germline): Uncertain significance (1 of 4 stars; one submission).

Allele frequency attached by ClinVar (database versions not stated): gnomAD 0.00001; TOPMed 0.00002; gnomAD exomes 0.00003; ExAC 0.00004.
gnomAD v4.1: 20 of 1,604,418 alleles (0.0012%); highest among the groups gnomAD compares: Admixed American, 0.012%; no homozygotes.

Submission:

Labcorp Genetics (formerly Invitae), Labcorp
Classification: Uncertain significance. Last evaluated: 2023-07-21. Review status: criteria provided, single submitter. Criteria: Invitae Variant Classification Sherloc (09022015). Collection method: clinical testing. Allele origin: germline.
Comment: ClinVar contains an entry for this variant (Variation ID: 1349881). In summary, the available evidence is currently insufficient to determine the role of this variant in disease. Therefore, it has been classified as a Variant of Uncertain Significance. An algorithm developed to predict the effect of missense changes on protein structure and function (PolyPhen-2) suggests that this variant is likely to be disruptive. This variant has not been reported in the literature in individuals affected with CACNA2D4-related conditions. The frequency data for this variant in the population databases is considered unreliable, as metrics indicate poor data quality at this position in the gnomAD database. This sequence change replaces arginine, which is basic and polar, with glutamine, which is neutral and polar, at codon 763 of the CACNA2D4 protein (p.Arg763Gln).